The following is an entry in ClinVar:

NM_001145026.2(PTPRQ):c.1921G>A (p.Ala641Thr)

Gene: PTPRQ (protein tyrosine phosphatase receptor type Q; plus strand). Cytogenetic location: 12q21.31.
Variant type: single nucleotide variant.
Coding change: c.1921G>A on transcript NM_001145026.2 (MANE Select); coding-DNA position 1921, G replaced by A.
Protein change: p.Ala641Thr; replaces alanine 641 with threonine.
Molecular consequence: missense variant.
Genome position (GRCh38, 1-based): chr12:80,496,037, G>A. VCF-style: chr12-80496037-G-A. GRCh37 (hg19) VCF-style: chr12-80889816-G-A.
Other names: short protein forms A641T.
Identifiers: ClinVar variation 1220474 (VCV001220474.3), dbSNP rs1442215750, ClinGen allele CA385886716.
Genomic context (GRCh38, chr12:80,496,037, plus strand): 5'-AGTTTGTCTCTTGTCCTTATAGGGTTAAAGAAATACACAAAATACAAAATGAGAGTGGCA[G>A]CCTCAACCCACGTTGGAGAAAGTTCTTTGTCTGAAGAAAATGACATCTTTGTGAGAACTT-3'
Protein context (NP_001138498.1, residues 631-651): KYTKYKMRVA[Ala641Thr]STHVGESSLS

ClinVar aggregate classification (germline): Uncertain significance (1 of 4 stars; one submission).

Allele frequency attached by ClinVar (database versions not stated): gnomAD exomes 0.00001 and 0.00002; TOPMed 0.00002.
gnomAD v4.1: 5 of 1,550,332 alleles (0.00032%); highest among the groups gnomAD compares: Admixed American, 0.0098%; no homozygotes.

Submission:

GeneDx
Classification: Uncertain significance. Last evaluated: 2019-01-17. Review status: criteria provided, single submitter. Criteria: GeneDx Variant Classification Process June 2021. Collection method: clinical testing. Allele origin: germline. Affected: yes.
Comment: In silico analysis, which includes protein predictors and evolutionary conservation, supports that this variant does not alter protein structure/function; Has not been previously published as pathogenic or benign to our knowledge